The following is an entry in ClinVar:

ClinVar aggregate classification (germline): Uncertain significance (0 of 4 stars; one submission).

Conditions:
NUP160-related disorder. Also called: NUP160-related condition.

gnomAD v4.1: 7 of 1,328,046 alleles (0.00053%); highest among the groups gnomAD compares: East Asian, 0.012%; no homozygotes.

Submission:

PreventionGenetics, part of Exact Sciences
Classification: Uncertain significance for NUP160-related condition. Last evaluated: 2024-05-08. Review status: no assertion criteria provided. Collection method: clinical testing. Allele origin: germline.
Comment: The NUP160 c.596G>C variant is predicted to result in the amino acid substitution p.Arg199Pro. To our knowledge, this variant has not been reported in the literature. This variant is reported in 0.016% of alleles in individuals of East Asian descent in gnomAD. Of note, this variant can also be defined as c.525+71G>C on the primary transcript NM_015231.3, which is predicted to have no splice impact (SpliceAI and Alamut Visual Plus v1.6.1). At this time, the clinical significance of this variant is uncertain due to the absence of conclusive functional and genetic evidence.

NM_015231.3(NUP160):c.423+71G>C

Gene: NUP160 (nucleoporin 160; minus strand). Cytogenetic location: 11p11.2.
Variant type: single nucleotide variant.
Coding change: c.423+71G>C on transcript NM_015231.3 (MANE Select); 71 bases into the intron after coding-DNA position 423, G replaced by C.
Molecular consequence: intron variant. On other transcripts: missense variant (1).
Genome position (GRCh38, 1-based): chr11:47,840,307, C>G on the plus strand (G>C on the coding strand, the complement: NUP160 is on the minus strand). VCF-style: chr11-47840307-C-G. GRCh37 (hg19) VCF-style: chr11-47861859-C-G.
Other names: c.596G>C, p.Arg199Pro (NM_001318399.1); short protein forms R199P.
Identifiers: ClinVar variation 3353748 (VCV003353748.1).